The following is an entry in ClinVar:

ClinVar aggregate classification (germline): Pathogenic. Review status: criteria provided, multiple submitters, no conflicts (2 of 4 stars). 5 submissions from 5 submitters: Pathogenic (2). 3 of the submissions do not count toward it. Last evaluated 2025-07-29.

Conditions:
Berardinelli-Seip congenital lipodystrophy. Identifiers: Orphanet 528, MedGen CN262437, MONDO:0018883.
Severe neurodegenerative syndrome with lipodystrophy. Also called: ENCEPHALOPATHY, PROGRESSIVE, WITH LIPODYSTROPHY; Encephalopathy, progressive, with or without lipodystrophy. Identifiers: Orphanet 363400, MedGen C4014700, MONDO:0014402, OMIM 615924.
Congenital generalized lipodystrophy type 2 (CGL2). Also called: BERARDINELLI SYNDROME; BRUNZELL SYNDROME, BSCL2-RELATED; SEIP SYNDROME; Berardinelli-Seip Congenital Lipodystrophy Type 2. Identifiers: Orphanet 528, Orphanet 696289, MedGen C1720863, MONDO:0010020, OMIM 269700.

Allele frequency attached by ClinVar (database versions not stated): gnomAD exomes below 0.00001; TOPMed 0.00002; gnomAD 0.00001.
gnomAD v4.1: 9 of 1,614,012 alleles (0.00056%); highest among the groups gnomAD compares: East Asian, 0.0089%; no homozygotes.

Submissions (5):

3billion
Classification: Pathogenic for Severe neurodegenerative syndrome with lipodystrophy. Last evaluated: 2025-07-29. Review status: criteria provided, single submitter. Criteria: ACMG Guidelines, 2015. Collection method: clinical testing. Allele origin: germline. Affected: yes.
Comment: The variant is observed at an extremely low frequency in the gnomAD v4.1.0 dataset (total allele frequency: <0.001%). Predicted Consequence/Location: Stop-gained (nonsense): predicted to result in a loss or disruption of normal protein function through nonsense-mediated decay (NMD) or protein truncation. Multiple pathogenic variants are reported downstream of the variant. The variant has been reported at least twice as pathogenic without evidence for the classification (ClinVar ID: VCV000004545 /PMID: 15126564 /3billion dataset). Therefore, this variant is classified as Pathogenic according to the recommendation of ACMG/AMP guideline.

Genetic Services Laboratory, University of Chicago
Classification: Pathogenic for Lipodystrophy, congenital generalized, type 2. Last evaluated: 2017-04-04. Review status: criteria provided, single submitter. Criteria: ACMG Guidelines, 2015. Collection method: clinical testing. Allele origin: germline. Affected: yes.

Inherited Neuropathy Consortium Ii, University Of Miami
Classification: Uncertain significance for Berardinelli-Seip congenital lipodystrophy. Last evaluated: 2016-01-06. Review status: no assertion criteria provided. Collection method: literature only. Allele origin: germline. Affected: yes. Not counted in ClinVar's aggregate classification.

OMIM
Classification: Pathogenic for LIPODYSTROPHY, CONGENITAL GENERALIZED, TYPE 2. Last evaluated: 2004-05-01. Review status: no assertion criteria provided. Collection method: literature only. Allele origin: germline. Not counted in ClinVar's aggregate classification.

GeneReviews
No classification provided. Condition: Congenital generalized lipodystrophy type 2. Review status: no classification provided. Collection method: literature only. Allele origin: germline. Affected: yes. Not counted in ClinVar's aggregate classification.

Literature cited by the submitters: PubMed 15126564 (cited by 3billion and OMIM); PubMed 14557463 (cited by Inherited Neuropathy Consortium Ii, University Of Miami); NCBI Bookshelf NBK1212 (cited by GeneReviews).

NM_001122955.4(BSCL2):c.1015C>T (p.Arg339Ter)

Genes: HNRNPUL2-BSCL2 (HNRNPUL2-BSCL2 readthrough (NMD candidate); minus strand), BSCL2 (BSCL2 lipid droplet biogenesis associated, seipin; minus strand). Cytogenetic location: 11q12.3.
Variant type: single nucleotide variant.
Coding change: c.1015C>T on transcript NM_001122955.4 (MANE Select); coding-DNA position 1015, C replaced by T.
Protein change: p.Arg339Ter; replaces arginine 339 with a stop codon.
Molecular consequence: nonsense. On other transcripts: non-coding transcript variant (1), synonymous variant (1).
Genome position (GRCh38, 1-based): chr11:62,691,132, G>A on the plus strand (C>T on the coding strand, the complement: BSCL2 is on the minus strand). VCF-style: chr11-62691132-G-A. GRCh37 (hg19) VCF-style: chr11-62458604-G-A.
Other names: R275*; c.681C>T, p.Ser227= (NM_001130702.2); c.1015C>T, p.Arg339Ter (NM_001386027.1, NM_001386028.1); c.823C>T, p.Arg275Ter (NM_032667.6); short protein forms R339*.
Identifiers: ClinVar variation 4545 (VCV000004545.9), dbSNP rs137852974, ClinGen allele CA277932.